The following is an entry in ClinVar:

NM_002582.4(PARN):c.1151A>G (p.Tyr384Cys)

Gene: PARN (poly(A)-specific ribonuclease; minus strand). Cytogenetic location: 16p13.12.
Variant type: single nucleotide variant.
Coding change: c.1151A>G on transcript NM_002582.4 (MANE Select); coding-DNA position 1151, A replaced by G.
Protein change: p.Tyr384Cys; replaces tyrosine 384 with cysteine.
Molecular consequence: missense variant.
Genome position (GRCh38, 1-based): chr16:14,582,222, T>C on the plus strand (A>G on the coding strand, the complement: PARN is on the minus strand). VCF-style: chr16-14582222-T-C. GRCh37 (hg19) VCF-style: chr16-14676079-T-C.
Other names: c.968A>G, p.Tyr323Cys (NM_001134477.3); c.1013A>G, p.Tyr338Cys (NM_001242992.2); short protein forms Y323C, Y338C, Y384C.
Identifiers: ClinVar variation 1055774 (VCV001055774.8), dbSNP rs199551987, ClinGen allele CA7912140.

ClinVar aggregate classification (germline): Uncertain significance. Review status: criteria provided, multiple submitters, no conflicts (2 of 4 stars). 2 submissions from 2 submitters: Uncertain significance (2). Last evaluated 2025-12-30.

Conditions:
Dyskeratosis congenita, autosomal recessive 6 (DKCB6). Identifiers: MedGen C4225356, MONDO:0014600, OMIM 616353.
Pulmonary fibrosis and/or bone marrow failure, Telomere-related, 4. Also called: PULMONARY FIBROSIS AND/OR BONE MARROW FAILURE SYNDROME, TELOMERE-RELATED, 4. Identifiers: Orphanet 2032, MedGen C4225347, MONDO:0014612, OMIM 616371.

Allele frequency attached by ClinVar (database versions not stated): ExAC 0.00002; TOPMed 0.00009; ESP Exome Variant Server 0.00008; gnomAD exomes 0.00004 and 0.00016; gnomAD 0.00011.
gnomAD v4.1: 245 of 1,613,166 alleles (0.015%); highest among the groups gnomAD compares: Non-Finnish European, 0.02%; no homozygotes.

Submissions (2):

Labcorp Genetics (formerly Invitae), Labcorp
Classification: Uncertain significance for Dyskeratosis congenita, autosomal recessive 6; Pulmonary fibrosis and/or bone marrow failure, Telomere-related, 4. Last evaluated: 2025-12-30. Review status: criteria provided, single submitter. Criteria: Invitae Variant Classification Sherloc (09022015). Collection method: clinical testing. Allele origin: germline.
Comment: This sequence change replaces tyrosine, which is neutral and polar, with cysteine, which is neutral and slightly polar, at codon 384 of the PARN protein (p.Tyr384Cys). This variant is present in population databases (rs199551987, gnomAD 0.01%). This variant has not been reported in the literature in individuals affected with PARN-related conditions. ClinVar contains an entry for this variant (Variation ID: 1055774). Invitae Evidence Modeling of protein sequence and biophysical properties (such as structural, functional, and spatial information, amino acid conservation, physicochemical variation, residue mobility, and thermodynamic stability) indicates that this missense variant is expected to disrupt PARN protein function with a positive predictive value of 80%. In summary, the available evidence is currently insufficient to determine the role of this variant in disease. Therefore, it has been classified as a Variant of Uncertain Significance.

Department of Pathology and Laboratory Medicine, Sinai Health System
Classification: Uncertain significance for Dyskeratosis congenita, autosomal recessive 6; Pulmonary fibrosis and/or bone marrow failure, Telomere-related, 4. Last evaluated: 2023-08-28. Review status: criteria provided, single submitter. Criteria: ACMG Guidelines, 2015. Collection method: research. Allele origin: germline.